The following is an entry in ClinVar:

ClinVar aggregate classification (germline): Conflicting classifications of pathogenicity. Review status: criteria provided, conflicting classifications (1 of 4 stars). 3 submissions from 3 submitters: Uncertain significance (2); Likely benign (1). Last evaluated 2025-06-19.

Conditions:
Noonan syndrome 10 (NS10). Identifiers: Orphanet 648, MedGen C4225280, MONDO:0014693, OMIM 616564.
Hereditary cancer-predisposing syndrome. Also called: Neoplastic Syndromes, Hereditary; Tumor predisposition; Hereditary Cancer Syndrome; Hereditary neoplastic syndrome. Identifiers: Orphanet 140162, MedGen C0027672, MeSH D009386, MONDO:0015356.
Cardiovascular phenotype. Identifiers: MedGen CN230736.

Submissions (3):

Labcorp Genetics (formerly Invitae), Labcorp
Classification: Uncertain significance. Last evaluated: 2025-06-19. Review status: criteria provided, single submitter. Criteria: Invitae Variant Classification Sherloc (09022015). Collection method: clinical testing. Allele origin: germline.
Comment: This sequence change replaces alanine, which is neutral and non-polar, with threonine, which is neutral and polar, at codon 20 of the LZTR1 protein (p.Ala20Thr). This variant is not present in population databases (gnomAD no frequency). This variant has not been reported in the literature in individuals affected with LZTR1-related conditions. ClinVar contains an entry for this variant (Variation ID: 1029085). Invitae Evidence Modeling of protein sequence and biophysical properties (such as structural, functional, and spatial information, amino acid conservation, physicochemical variation, residue mobility, and thermodynamic stability) indicates that this missense variant is not expected to disrupt LZTR1 protein function with a negative predictive value of 80%. In summary, the available evidence is currently insufficient to determine the role of this variant in disease. Therefore, it has been classified as a Variant of Uncertain Significance.

Ambry Genetics
Classification: Likely benign for Cardiovascular phenotype; Hereditary cancer-predisposing syndrome. Last evaluated: 2024-10-17. Review status: criteria provided, single submitter. Criteria: Ambry Variant Classification Scheme 2023. Collection method: clinical testing. Allele origin: germline.

Baylor Genetics
Classification: Uncertain significance for Noonan syndrome 10. Last evaluated: 2020-09-22. Review status: criteria provided, single submitter. Criteria: ACMG Guidelines, 2015. Collection method: clinical testing. Allele origin: unknown. Affected: yes.
Comment: This variant was determined to be of uncertain significance according to ACMG Guidelines, 2015 [PMID:25741868].

NM_006767.4(LZTR1):c.58G>A (p.Ala20Thr)

Genes: LZTR1 (leucine zipper like post translational regulator 1; plus strand), LOC130067016 (ATAC-STARR-seq lymphoblastoid silent region 13504; plus strand). Cytogenetic location: 22q11.21.
Variant type: single nucleotide variant.
Coding change: c.58G>A on transcript NM_006767.4 (MANE Select); coding-DNA position 58, G replaced by A.
Protein change: p.Ala20Thr; replaces alanine 20 with threonine.
Molecular consequence: missense variant.
Genome position (GRCh38, 1-based): chr22:20,982,429, G>A. VCF-style: chr22-20982429-G-A. GRCh37 (hg19) VCF-style: chr22-21336718-G-A.
Other names: short protein forms A20T.
Identifiers: ClinVar variation 1029085 (VCV001029085.12), dbSNP rs1924227635, ClinGen allele CA410777560.